The following is an entry in ClinVar:

ClinVar aggregate classification (germline): Likely benign. Review status: criteria provided, multiple submitters, no conflicts (2 of 4 stars). 3 submissions from 3 submitters: Likely benign (2). 1 of the submissions does not count toward it. Last evaluated 2024-08-29.

Conditions:
ESPN-related disorder. Also called: ESPN-related condition.

Allele frequency attached by ClinVar (database versions not stated): gnomAD exomes 0.00001 and 0.00002; gnomAD 0.00002; ExAC 0.00003; TOPMed 0.00003.
gnomAD v4.1: 12 of 1,612,890 alleles (0.00074%); highest among the groups gnomAD compares: African/African-American, 0.008%; no homozygotes.

Submissions (3):

Labcorp Genetics (formerly Invitae), Labcorp
Classification: Likely benign. Last evaluated: 2024-08-29. Review status: criteria provided, single submitter. Criteria: Invitae Variant Classification Sherloc (09022015). Collection method: clinical testing. Allele origin: germline.

Blueprint Genetics
Classification: Likely benign. Last evaluated: 2024-07-25. Review status: criteria provided, single submitter. Criteria: ACMG Guidelines, 2015. Collection method: clinical testing. Allele origin: germline.

PreventionGenetics, part of Exact Sciences
Classification: Likely benign for ESPN-related condition. Last evaluated: 2019-09-17. Review status: no assertion criteria provided. Collection method: clinical testing. Allele origin: germline. Not counted in ClinVar's aggregate classification.
Comment: This variant is classified as likely benign based on ACMG/AMP sequence variant interpretation guidelines (Richards et al. 2015 PMID: 25741868, with internal and published modifications).

NM_031475.3(ESPN):c.438C>T (p.Ala146=)

Gene: ESPN (espin; plus strand). Cytogenetic location: 1p36.31.
Variant type: single nucleotide variant.
Coding change: c.438C>T on transcript NM_031475.3 (MANE Select); coding-DNA position 438, C replaced by T.
Protein change: p.Ala146=; no amino-acid change (alanine 146 retained).
Molecular consequence: synonymous variant.
Genome position (GRCh38, 1-based): chr1:6,428,369, C>T. VCF-style: chr1-6428369-C-T. GRCh37 (hg19) VCF-style: chr1-6488429-C-T.
Other names: c.438C>T, p.Ala146= (NM_001367473.1, NM_001367474.1).
Identifiers: ClinVar variation 734575 (VCV000734575.11), dbSNP rs749289711, ClinGen allele CA559892.
Genomic context (GRCh38, chr1:6,428,369, plus strand): 5'-TGGCGGTGGGGACCCCACCGCGGCCACAGACATGGGCGCCCTGCCTATCCACTACGCTGC[C>T]GCCAAAGGAGACTTCCCCTCCCTGAGGCTTCTCGTCGAGCACTACCCTGAGTAAGATCAC-3'
Protein context (NP_113663.2, residues 136-156): DMGALPIHYA[Ala146=]AKGDFPSLRL